The following is an entry in ClinVar:

NM_000017.4(ACADS):c.193C>A (p.Leu65Ile)

Gene: ACADS (acyl-CoA dehydrogenase short chain; plus strand). Cytogenetic location: 12q24.31.
Variant type: single nucleotide variant.
Coding change: c.193C>A on transcript NM_000017.4 (MANE Select); coding-DNA position 193, C replaced by A.
Protein change: p.Leu65Ile; replaces leucine 65 with isoleucine.
Molecular consequence: missense variant.
Genome position (GRCh38, 1-based): chr12:120,727,172, C>A. VCF-style: chr12-120727172-C-A. GRCh37 (hg19) VCF-style: chr12-121164975-C-A.
Other names: c.193C>A, p.Leu65Ile (NM_001302554.2); short protein forms L65I.
Identifiers: ClinVar variation 1520008 (VCV001520008.8), dbSNP rs377388400, ClinGen allele CA244513484.

ClinVar aggregate classification (germline): Uncertain significance (1 of 4 stars; one submission).

Conditions:
Deficiency of butyryl-CoA dehydrogenase (ACADSD). Also called: ACADS DEFICIENCY; ACYL-CoA DEHYDROGENASE, SHORT-CHAIN, DEFICIENCY OF; Short-Chain Acyl-CoA Dehydrogenase Deficiency; SCADH DEFICIENCY; SCAD DEFICIENCY, MILD; SCAD Deficiency. Identifiers: Orphanet 26792, MedGen C0342783, MONDO:0008722, OMIM 201470. Disease mechanism: May be benign.

Allele frequency attached by ClinVar (database versions not stated): TOPMed 0.00001.

Submission:

Labcorp Genetics (formerly Invitae), Labcorp
Classification: Uncertain significance for Deficiency of butyryl-CoA dehydrogenase. Last evaluated: 2021-02-27. Review status: criteria provided, single submitter. Criteria: Invitae Variant Classification Sherloc (09022015). Collection method: clinical testing. Allele origin: germline.
Comment: In summary, the available evidence is currently insufficient to determine the role of this variant in disease. Therefore, it has been classified as a Variant of Uncertain Significance. Advanced modeling of protein sequence and biophysical properties (such as structural, functional, and spatial information, amino acid conservation, physicochemical variation, residue mobility, and thermodynamic stability) performed at Invitae indicates that this missense variant is not expected to disrupt ACADS protein function. This variant has not been reported in the literature in individuals with ACADS-related conditions. This variant is not present in population databases (ExAC no frequency). This sequence change replaces leucine with isoleucine at codon 65 of the ACADS protein (p.Leu65Ile). The leucine residue is weakly conserved and there is a small physicochemical difference between leucine and isoleucine.